The following is an entry in ClinVar:

NM_003612.5(SEMA7A):c.370C>T (p.Arg124Trp)

Gene: SEMA7A (semaphorin 7A (JohnMiltonHagen blood group); minus strand). Cytogenetic location: 15q24.1.
Variant type: single nucleotide variant.
Coding change: c.370C>T on transcript NM_003612.5 (MANE Select); coding-DNA position 370, C replaced by T.
Protein change: p.Arg124Trp; replaces arginine 124 with tryptophan.
Molecular consequence: missense variant. On other transcripts: 5 prime UTR variant (1), intron variant (1).
Genome position (GRCh38, 1-based): chr15:74,418,270, G>A on the plus strand (C>T on the coding strand, the complement: SEMA7A is on the minus strand). VCF-style: chr15-74418270-G-A. GRCh37 (hg19) VCF-style: chr15-74710611-G-A.
Other names: NC_000015.9:g.74710611G>A; c.-126C>T (NM_001146030.3); c.331-301C>T (NM_001146029.3); short protein forms R124W.
Identifiers: ClinVar variation 2595686 (VCV002595686.11), dbSNP rs372161007, ClinGen allele CA7657293.

ClinVar aggregate classification (germline): Uncertain significance. Review status: criteria provided, multiple submitters, no conflicts (2 of 4 stars). 2 submissions from 2 submitters: Uncertain significance (2). Last evaluated 2025-07-01.

Allele frequency attached by ClinVar (database versions not stated): TOPMed 0.00006; ESP Exome Variant Server 0.00008; gnomAD 0.00011; ExAC 0.00012.
gnomAD v4.1: 114 of 1,612,268 alleles (0.0071%); highest among the groups gnomAD compares: Middle Eastern, 0.016%; no homozygotes.

Submissions (3):

CeGaT Center for Human Genetics Tuebingen
Classification: Uncertain significance. Last evaluated: 2025-07-01. Review status: criteria provided, single submitter. Criteria: CeGaT Center For Human Genetics Tuebingen Variant Classification Criteria Version 2. Collection method: clinical testing. Allele origin: germline. Affected: yes. Observed: 1 variant allele.
Comment: SEMA7A: PM2, BP4

Ambry Genetics
Classification: Uncertain significance. Last evaluated: 2023-07-05. Review status: criteria provided, single submitter. Criteria: Ambry Variant Classification Scheme 2023. Collection method: clinical testing. Allele origin: germline.

Dr. Peter K. Rogan Lab, Western University
No classification provided (evidence only). Condition: Clear cell carcinoma of kidney. Review status: no classification provided. Collection method: in vitro. Allele origin: not applicable. Functional consequence: skipped exon, retained intron. Not counted in ClinVar's aggregate classification.